The following is an entry in ClinVar:

NM_025137.4(SPG11):c.1355T>G (p.Leu452Arg)

Gene: SPG11 (SPG11 vesicle trafficking associated, spatacsin; minus strand). Cytogenetic location: 15q21.1.
Variant type: single nucleotide variant.
Coding change: c.1355T>G on transcript NM_025137.4 (MANE Select); coding-DNA position 1355, T replaced by G.
Protein change: p.Leu452Arg; replaces leucine 452 with arginine.
Molecular consequence: missense variant.
Genome position (GRCh38, 1-based): chr15:44,651,592, A>C on the plus strand (T>G on the coding strand, the complement: SPG11 is on the minus strand). VCF-style: chr15-44651592-A-C. GRCh37 (hg19) VCF-style: chr15-44943790-A-C.
Other names: c.1355T>G, p.Leu452Arg (NM_001160227.2); c.1355T>G (NM_025137.3); short protein forms L452R.
Identifiers: ClinVar variation 1350412 (VCV001350412.4), dbSNP rs776275517, ClinGen allele CA7535569.

ClinVar aggregate classification (germline): Uncertain significance. Review status: criteria provided, multiple submitters, no conflicts (2 of 4 stars). 2 submissions from 2 submitters: Uncertain significance (2). Last evaluated 2025-10-02.

Conditions:
Inborn genetic diseases. Identifiers: MedGen C0950123, MeSH D030342.
Hereditary spastic paraplegia 11. Also called: Spastic Paraplegia 11; Nakamura Osame syndrome; Autosomal recessive hereditary spastic paraplegia, mental impairment, and thin corpus callosum; SPASTIC PARAPLEGIA, AUTOSOMAL RECESSIVE, COMPLICATED, WITH THIN CORPUS CALLOSUM; SPASTIC PARAPLEGIA, AUTOSOMAL RECESSIVE, WITH MENTAL IMPAIRMENT AND THIN CORPUS CALLOSUM; Spastic paraplegia, mental retardation and thin corpus callosum. Identifiers: Orphanet 2822, MedGen C1858479, MONDO:0011445, OMIM 604360.

Allele frequency attached by ClinVar (database versions not stated): ExAC 0.00003.
gnomAD v4.1: 12 of 1,614,204 alleles (0.00074%); highest among the groups gnomAD compares: Admixed American, 0.013%; no homozygotes.

Submissions (2):

Ambry Genetics
Classification: Uncertain significance for Inborn genetic diseases. Last evaluated: 2025-10-02. Review status: criteria provided, single submitter. Criteria: Ambry Variant Classification Scheme 2023. Collection method: clinical testing. Allele origin: germline.

Labcorp Genetics (formerly Invitae), Labcorp
Classification: Uncertain significance for Hereditary spastic paraplegia 11. Last evaluated: 2022-03-06. Review status: criteria provided, single submitter. Criteria: Invitae Variant Classification Sherloc (09022015). Collection method: clinical testing. Allele origin: germline.
Comment: This sequence change replaces leucine, which is neutral and non-polar, with arginine, which is basic and polar, at codon 452 of the SPG11 protein (p.Leu452Arg). This variant is present in population databases (rs776275517, gnomAD 0.02%). This variant has not been reported in the literature in individuals affected with SPG11-related conditions. Algorithms developed to predict the effect of missense changes on protein structure and function are either unavailable or do not agree on the potential impact of this missense change (SIFT: "Deleterious"; PolyPhen-2: "Probably Damaging"; Align-GVGD: "Class C0"). In summary, the available evidence is currently insufficient to determine the role of this variant in disease. Therefore, it has been classified as a Variant of Uncertain Significance.